The following is an entry in ClinVar:

ClinVar aggregate classification (germline): Benign/Likely benign. Review status: criteria provided, multiple submitters, no conflicts (2 of 4 stars). 4 submissions from 4 submitters: Benign (1); Likely benign (3). Last evaluated 2024-12-04.

Conditions:
BAP1-related tumor predisposition syndrome (TPDS1). Also called: Tumor susceptibility linked to germline BAP1 mutations; BAP1 tumor predisposition syndrome; TUMOR PREDISPOSITION SYNDROME 1; COMMON Syndrome. Identifiers: Orphanet 289539, MedGen C3280492, MONDO:0013692, OMIM 614327.
Hereditary cancer-predisposing syndrome. Also called: Neoplastic Syndromes, Hereditary; Tumor predisposition; Hereditary neoplastic syndrome; Hereditary Cancer Syndrome. Identifiers: Orphanet 140162, MedGen C0027672, MeSH D009386, MONDO:0015356.

Allele frequency attached by ClinVar (database versions not stated): gnomAD exomes below 0.00001 and 0.00001; TOPMed below 0.00001; ExAC 0.00001.
gnomAD v4.1: 3 of 1,614,194 alleles (0.00019%); highest among the groups gnomAD compares: East Asian, 0.0022%; no homozygotes.

Submissions (4):

Labcorp Genetics (formerly Invitae), Labcorp
Classification: Likely benign for BAP1-related tumor predisposition syndrome. Last evaluated: 2024-12-04. Review status: criteria provided, single submitter. Criteria: Invitae Variant Classification Sherloc (09022015). Collection method: clinical testing. Allele origin: germline.

Myriad Genetics, Inc.
Classification: Benign for BAP1-related tumor predisposition syndrome. Last evaluated: 2024-07-17. Review status: criteria provided, single submitter. Criteria: Myriad Autosomal Dominant, Autosomal Recessive and X-Linked Classification Criteria (2023). Collection method: clinical testing. Allele origin: unknown.
Comment: This variant is considered benign. This variant is a silent/synonymous amino acid change and it is not expected to impact splicing.

Ambry Genetics
Classification: Likely benign for Hereditary cancer-predisposing syndrome. Last evaluated: 2021-06-21. Review status: criteria provided, single submitter. Criteria: Ambry Variant Classification Scheme 2023. Collection method: clinical testing. Allele origin: germline.

Color Diagnostics, LLC DBA Color Health
Classification: Likely benign for Hereditary cancer-predisposing syndrome. Last evaluated: 2018-06-28. Review status: criteria provided, single submitter. Criteria: ACMG Guidelines, 2015. Collection method: clinical testing. Allele origin: germline.

NM_004656.4(BAP1):c.2031C>T (p.Thr677=)

Gene: BAP1 (BRCA1 associated deubiquitinase 1; minus strand). Cytogenetic location: 3p21.1.
Variant type: single nucleotide variant.
Coding change: c.2031C>T on transcript NM_004656.4 (MANE Select); coding-DNA position 2031, C replaced by T.
Protein change: p.Thr677=; no amino-acid change (threonine 677 retained).
Molecular consequence: synonymous variant.
Genome position (GRCh38, 1-based): chr3:52,402,627, G>A on the plus strand (C>T on the coding strand, the complement: BAP1 is on the minus strand). VCF-style: chr3-52402627-G-A. GRCh37 (hg19) VCF-style: chr3-52436643-G-A.
Identifiers: ClinVar variation 629896 (VCV000629896.13), dbSNP rs749373585, ClinGen allele CA2436619.